The following is an entry in ClinVar:

ClinVar aggregate classification (germline): Uncertain significance (1 of 4 stars; one submission).

Conditions:
Supravalvar aortic stenosis (SVAS). Also called: Supravalvar aortic stenosis, Eisenberg type. Identifiers: Orphanet 3193, MedGen C0003499, MONDO:0008504, OMIM 185500, HP:0004381.

Submission:

Labcorp Genetics (formerly Invitae), Labcorp
Classification: Uncertain significance for Supravalvar aortic stenosis. Last evaluated: 2024-11-04. Review status: criteria provided, single submitter. Criteria: Invitae Variant Classification Sherloc (09022015). Collection method: clinical testing. Allele origin: germline.
Comment: This sequence change replaces glycine, which is neutral and non-polar, with alanine, which is neutral and non-polar, at codon 547 of the ELN protein (p.Gly547Ala). This variant is not present in population databases (gnomAD no frequency). This variant has not been reported in the literature in individuals affected with ELN-related conditions. Invitae Evidence Modeling of protein sequence and biophysical properties (such as structural, functional, and spatial information, amino acid conservation, physicochemical variation, residue mobility, and thermodynamic stability) indicates that this missense variant is not expected to disrupt ELN protein function with a negative predictive value of 80%. In summary, the available evidence is currently insufficient to determine the role of this variant in disease. Therefore, it has been classified as a Variant of Uncertain Significance.

NM_000501.4(ELN):c.1553G>C (p.Gly518Ala)

Genes: ELN (elastin; plus strand), ELN-AS1 (ELN antisense RNA 1; minus strand). Cytogenetic location: 7q11.23.
Variant type: single nucleotide variant.
Coding change: c.1553G>C on transcript NM_000501.4 (MANE Select); coding-DNA position 1553, G replaced by C.
Protein change: p.Gly518Ala; replaces glycine 518 with alanine.
Molecular consequence: missense variant. On other transcripts: non-coding transcript variant (1).
Genome position (GRCh38, 1-based): chr7:74,060,024, G>C. VCF-style: chr7-74060024-G-C. GRCh37 (hg19) VCF-style: chr7-73474354-G-C.
Other names: c.1466G>C, p.Gly489Ala (NM_001081752.3); c.1511G>C, p.Gly504Ala (NM_001081753.3); c.1568G>C, p.Gly523Ala (NM_001081754.3); c.1496G>C, p.Gly499Ala (NM_001081755.3); c.1553G>C, p.Gly518Ala (NM_001278912.2); c.1310G>C, p.Gly437Ala (NM_001278913.2); c.1481G>C, p.Gly494Ala (NM_001278914.2); c.1571G>C, p.Gly524Ala (NM_001278915.2); and 4 more; short protein forms G485A, G489A, G499A, G523A, G524A, G429A, G504A, G437A.
Identifiers: ClinVar variation 3719323 (VCV003719323.2).